The following is an entry in ClinVar:

NM_005076.5(CNTN2):c.862G>A (p.Glu288Lys)

Gene: CNTN2 (contactin 2; plus strand). Cytogenetic location: 1q32.1.
Variant type: single nucleotide variant.
Coding change: c.862G>A on transcript NM_005076.5 (MANE Select); coding-DNA position 862, G replaced by A.
Protein change: p.Glu288Lys; replaces glutamic acid 288 with lysine.
Molecular consequence: missense variant. On other transcripts: non-coding transcript variant (1).
Genome position (GRCh38, 1-based): chr1:205,061,309, G>A. VCF-style: chr1-205061309-G-A. GRCh37 (hg19) VCF-style: chr1-205030437-G-A.
Other names: c.862G>A, p.Glu288Lys (NM_001346083.2); short protein forms E288K.
Identifiers: ClinVar variation 2112564 (VCV002112564.4), dbSNP rs760227950, ClinGen allele CA1351179.

ClinVar aggregate classification (germline): Uncertain significance (1 of 4 stars; one submission).

Conditions:
Epilepsy, familial adult myoclonic, 5 (EPEO5). Also called: CORTICAL MYOCLONIC TREMOR WITH EPILEPSY, FAMILIAL, 5. Identifiers: Orphanet 86814, MedGen C3809374, MONDO:0014167, OMIM 615400.

Allele frequency attached by ClinVar (database versions not stated): gnomAD exomes below 0.00001; ExAC 0.00001; TOPMed 0.00001.
gnomAD v4.1: 6 of 1,614,144 alleles (0.00037%); highest among the groups gnomAD compares: Admixed American, 0.0033%; no homozygotes.

Submission:

Labcorp Genetics (formerly Invitae), Labcorp
Classification: Uncertain significance for Epilepsy, familial adult myoclonic, 5. Last evaluated: 2023-07-06. Review status: criteria provided, single submitter. Criteria: Invitae Variant Classification Sherloc (09022015). Collection method: clinical testing. Allele origin: germline.
Comment: ClinVar contains an entry for this variant (Variation ID: 2112564). This variant has not been reported in the literature in individuals affected with CNTN2-related conditions. This variant is present in population databases (rs760227950, gnomAD 0.003%). This sequence change replaces glutamic acid, which is acidic and polar, with lysine, which is basic and polar, at codon 288 of the CNTN2 protein (p.Glu288Lys). In summary, the available evidence is currently insufficient to determine the role of this variant in disease. Therefore, it has been classified as a Variant of Uncertain Significance. Advanced modeling of protein sequence and biophysical properties (such as structural, functional, and spatial information, amino acid conservation, physicochemical variation, residue mobility, and thermodynamic stability) performed at Invitae indicates that this missense variant is not expected to disrupt CNTN2 protein function.